The following is an entry in ClinVar:

NM_000081.4(LYST):c.10025G>A (p.Arg3342Gln)

Genes: LYST (lysosomal trafficking regulator; minus strand), LOC126806063 (MED14-independent group 3 enhancer GRCh37_chr1:235871544-235872743; plus strand). Cytogenetic location: 1q42.3.
Variant type: single nucleotide variant.
Coding change: c.10025G>A on transcript NM_000081.4 (MANE Select); coding-DNA position 10025, G replaced by A.
Protein change: p.Arg3342Gln; replaces arginine 3342 with glutamine.
Molecular consequence: missense variant.
Genome position (GRCh38, 1-based): chr1:235,709,209, C>T on the plus strand (G>A on the coding strand, the complement: LYST is on the minus strand). VCF-style: chr1-235709209-C-T. GRCh37 (hg19) VCF-style: chr1-235872509-C-T.
Other names: c.10025G>A, p.Arg3342Gln (NM_001301365.1); short protein forms R3342Q.
Identifiers: ClinVar variation 658580 (VCV000658580.3), dbSNP rs751371601, ClinGen allele CA1465457.

ClinVar aggregate classification (germline): Uncertain significance (1 of 4 stars; one submission).

Conditions:
Chédiak-Higashi syndrome (CHS). Also called: Chediak-Higashi Syndrome. Identifiers: Orphanet 167, MedGen C0007965, MONDO:0008963, OMIM 214500.

Allele frequency attached by ClinVar (database versions not stated): ExAC 0.00001; TOPMed 0.00001.
gnomAD v4.1: 10 of 1,614,026 alleles (0.00062%); highest among the groups gnomAD compares: East Asian, 0.0022%; no homozygotes.

Submission:

Labcorp Genetics (formerly Invitae), Labcorp
Classification: Uncertain significance for Chédiak-Higashi syndrome. Last evaluated: 2022-08-22. Review status: criteria provided, single submitter. Criteria: Invitae Variant Classification Sherloc (09022015). Collection method: clinical testing. Allele origin: germline.
Comment: This sequence change replaces arginine, which is basic and polar, with glutamine, which is neutral and polar, at codon 3342 of the LYST protein (p.Arg3342Gln). This variant is present in population databases (rs751371601, gnomAD 0.006%). This variant has not been reported in the literature in individuals affected with LYST-related conditions. ClinVar contains an entry for this variant (Variation ID: 658580). Algorithms developed to predict the effect of missense changes on protein structure and function are either unavailable or do not agree on the potential impact of this missense change (SIFT: "Deleterious"; PolyPhen-2: "Probably Damaging"; Align-GVGD: "Class C0"). Algorithms developed to predict the effect of sequence changes on RNA splicing suggest that this variant may create or strengthen a splice site. In summary, the available evidence is currently insufficient to determine the role of this variant in disease. Therefore, it has been classified as a Variant of Uncertain Significance.